The following is an entry in ClinVar:

NM_002470.4(MYH3):c.2466C>T (p.Phe822=)

Gene: MYH3 (myosin heavy chain 3; minus strand). Cytogenetic location: 17p13.1.
Variant type: single nucleotide variant.
Coding change: c.2466C>T on transcript NM_002470.4 (MANE Select); coding-DNA position 2466, C replaced by T.
Protein change: p.Phe822=; no amino-acid change (phenylalanine 822 retained).
Molecular consequence: synonymous variant.
Genome position (GRCh38, 1-based): chr17:10,640,212, G>A on the plus strand (C>T on the coding strand, the complement: MYH3 is on the minus strand). VCF-style: chr17-10640212-G-A. GRCh37 (hg19) VCF-style: chr17-10543529-G-A.
Identifiers: ClinVar variation 3031572 (VCV003031572.2), dbSNP rs771964735, ClinGen allele CA8392755.
Genomic context (GRCh38, chr17:10,640,212, plus strand): 5'-CTTGAGGAGGGGCTTGATCTTGAAGAAGAGTTTCATCCAGGGCCAGTGCTTGACGTTCAT[G>A]AATGAGCGAATGTTGTACTGGATGCAGAAGATGGACTCCCTAAAAACAAGACATTGCTTA-3'
Protein context (NP_002461.2, residues 812-832): IFCIQYNIRS[Phe822=]MNVKHWPWMK

ClinVar aggregate classification (germline): Likely benign (0 of 4 stars; one submission).

Conditions:
MYH3-related disorder. Also called: MYH3-Related Disorders; MYH3-related condition. Identifiers: MedGen CN239329.

Allele frequency attached by ClinVar (database versions not stated): TOPMed below 0.00001; ExAC 0.00001; gnomAD exomes 0.00001.
gnomAD v4.1: 9 of 1,614,190 alleles (0.00056%); highest among the groups gnomAD compares: Non-Finnish European, 0.00076%; no homozygotes.

Submission:

PreventionGenetics, part of Exact Sciences
Classification: Likely benign for MYH3-related condition. Last evaluated: 2021-01-18. Review status: no assertion criteria provided. Collection method: clinical testing. Allele origin: germline.
Comment: This variant is classified as likely benign based on ACMG/AMP sequence variant interpretation guidelines (Richards et al. 2015 PMID: 25741868, with internal and published modifications).